The following is an entry in ClinVar:

ClinVar aggregate classification (germline): Pathogenic (1 of 4 stars; one submission).

Conditions:
Nemaline myopathy 2 (NEM2). Also called: Nemaline myopathy 2, autosomal recessive. Identifiers: MedGen C1850569, MONDO:0009725, OMIM 256030.

Submission:

Myriad Genetics, Inc.
Classification: Pathogenic for Nemaline myopathy 2. Last evaluated: 2025-09-28. Review status: criteria provided, single submitter. Criteria: Myriad Autosomal Dominant, Autosomal Recessive and X-Linked Classification Criteria (2023). Collection method: clinical testing. Allele origin: unknown.
Comment: NM_001271208.1(NEB):c.22060A>T(K7354*) is expected to be pathogenic in the context of NEB-related nemaline myopathy. This variant is predicted to lead to an abnormal or absent protein product due to the creation of a premature termination codon in NEB, a gene where loss-of-function variants are known to be pathogenic. Please note: this variant was assessed in the context of healthy population screening.

NM_001164508.2(NEB):c.21955A>T (p.Lys7319Ter)

Genes: NEB (nebulin; minus strand), RIF1 (replication timing regulatory factor 1; plus strand). Cytogenetic location: 2q23.3.
Variant type: single nucleotide variant.
Coding change: c.21955A>T on transcript NM_001164508.2 (MANE Select); coding-DNA position 21955, A replaced by T.
Protein change: p.Lys7319Ter; replaces lysine 7319 with a stop codon.
Molecular consequence: nonsense.
Genome position (GRCh38, 1-based): chr2:151,526,253, T>A on the plus strand (A>T on the coding strand, the complement: NEB is on the minus strand). VCF-style: chr2-151526253-T-A. GRCh37 (hg19) VCF-style: chr2-152382767-T-A.
Other names: c.21955A>T, p.Lys7319Ter (NM_001164507.2); c.22060A>T, p.Lys7354Ter (NM_001271208.2); c.16852A>T, p.Lys5618Ter (NM_004543.5); short protein forms K5618*, K7319*, K7354*.
Identifiers: ClinVar variation 5015027 (VCV005015027.1).
Genomic context (GRCh38, chr2:151,526,253, plus strand): 5'-GGATCTGAGGCGTGTCAGGTACGGCATGGCAGGTTCCTCTTTCCTTGACATGTTTCTCTT[T>A]GTATTTCAGCTTCAGGGGCAGGAAAAGGGGCATTTCTTTAGCTCTGCTGGATATCCTACA-3'